The following is an entry in ClinVar:

NM_000059.4(BRCA2):c.4586G>C (p.Gly1529Ala)

Gene: BRCA2 (BRCA2 DNA repair associated; plus strand). Cytogenetic location: 13q13.1.
Variant type: single nucleotide variant.
Coding change: c.4586G>C on transcript NM_000059.4 (MANE Select); coding-DNA position 4586, G replaced by C.
Protein change: p.Gly1529Ala; replaces glycine 1529 with alanine.
Molecular consequence: missense variant.
Genome position (GRCh38, 1-based): chr13:32,338,941, G>C. VCF-style: chr13-32338941-G-C. GRCh37 (hg19) VCF-style: chr13-32913078-G-C.
Other names: c.4586G>C, p.Gly1529Ala (NM_001406719.1, NM_001406720.1); short protein forms G1529A.
Identifiers: ClinVar variation 1741674 (VCV001741674.7), dbSNP rs2072508418, ClinGen allele CA387781924.

ClinVar aggregate classification (germline): Conflicting classifications of pathogenicity. Review status: criteria provided, conflicting classifications (1 of 4 stars). 4 submissions from 4 submitters: Uncertain significance (3); Likely benign (1). Last evaluated 2024-03-06.

Conditions:
Hereditary cancer-predisposing syndrome. Also called: Hereditary Cancer Syndrome; Hereditary neoplastic syndrome; Neoplastic Syndromes, Hereditary; Tumor predisposition. Identifiers: Orphanet 140162, MedGen C0027672, MeSH D009386, MONDO:0015356.

gnomAD v4.1: 1 of 1,613,822 alleles (0.000062%); highest among the groups gnomAD compares: Non-Finnish European, 0.000085%; no homozygotes.

Submissions (4):

Color Diagnostics, LLC DBA Color Health
Classification: Uncertain significance for Hereditary cancer-predisposing syndrome. Last evaluated: 2024-03-06. Review status: criteria provided, single submitter. Criteria: ACMG Guidelines, 2015. Collection method: clinical testing. Allele origin: germline.
Comment: This missense variant replaces glycine with alanine at codon 1529 of the BRCA2 protein. Computational prediction suggests that this variant may have deleterious impact on protein structure and function (internally defined REVEL score threshold >= 0.7, PMID: 27666373). To our knowledge, functional studies have not been reported for this variant. This variant has not been reported in individuals affected with hereditary cancer in the literature. This variant has not been identified in the general population by the Genome Aggregation Database (gnomAD). The available evidence is insufficient to determine the role of this variant in disease conclusively. Therefore, this variant is classified as a Variant of Uncertain Significance.

GeneDx
Classification: Uncertain significance. Last evaluated: 2023-06-12. Review status: criteria provided, single submitter. Criteria: GeneDx Variant Classification Process June 2021. Collection method: clinical testing. Allele origin: germline. Affected: yes.
Comment: Not observed at significant frequency in large population cohorts (gnomAD); In silico analysis supports that this missense variant has a deleterious effect on protein structure/function; Has not been previously published as pathogenic or benign to our knowledge; Also known as 4814G>C; This variant is associated with the following publications: (PMID: 9002670, 22193408, 31911673)

University of Washington Department of Laboratory Medicine, University of Washington
Classification: Likely benign for Hereditary cancer-predisposing syndrome. Last evaluated: 2023-03-23. Review status: criteria provided, single submitter. Criteria: Dines et al. (Genet Med. 2020). Collection method: curation. Allele origin: germline.
Comment: Missense variant in a coldspot region where missense variants are very unlikely to be pathogenic (PMID:31911673).

BRCA2 exon 11 coldspot. Reclassification based on statistical prior probability.

Ambry Genetics
Classification: Uncertain significance for Hereditary cancer-predisposing syndrome. Last evaluated: 2022-05-15. Review status: criteria provided, single submitter. Criteria: Ambry Variant Classification Scheme 2023. Collection method: clinical testing. Allele origin: germline.
Comment: The p.G1529A variant (also known as c.4586G>C), located in coding exon 10 of the BRCA2 gene, results from a G to C substitution at nucleotide position 4586. The glycine at codon 1529 is replaced by alanine, an amino acid with similar properties. This amino acid position is conserved. In addition, this alteration is predicted to be deleterious by in silico analysis. Since supporting evidence is limited at this time, the clinical significance of this alteration remains unclear.